The following is an entry in ClinVar:

NM_006420.3(ARFGEF2):c.4280A>T (p.Asp1427Val)

Gene: ARFGEF2 (ARF guanine nucleotide exchange factor 2; plus strand). Cytogenetic location: 20q13.13.
Variant type: single nucleotide variant.
Coding change: c.4280A>T on transcript NM_006420.3 (MANE Select); coding-DNA position 4280, A replaced by T.
Protein change: p.Asp1427Val; replaces aspartic acid 1427 with valine.
Molecular consequence: missense variant.
Genome position (GRCh38, 1-based): chr20:49,016,380, A>T. VCF-style: chr20-49016380-A-T. GRCh37 (hg19) VCF-style: chr20-47632917-A-T.
Other names: short protein forms D1427V.
Identifiers: ClinVar variation 1314488 (VCV001314488.3), dbSNP rs2123534625, ClinGen allele CA409326798.

ClinVar aggregate classification (germline): Uncertain significance (1 of 4 stars; one submission).

Allele frequency attached by ClinVar (database versions not stated): gnomAD exomes below 0.00001.
gnomAD v4.1: 3 of 1,613,710 alleles (0.00019%); highest among the groups gnomAD compares: South Asian, 0.0022%; no homozygotes.

Submission:

GeneDx
Classification: Uncertain significance. Last evaluated: 2025-04-22. Review status: criteria provided, single submitter. Criteria: GeneDx Variant Classification Process June 2021. Collection method: clinical testing. Allele origin: germline. Affected: yes.
Comment: Not observed at significant frequency in large population cohorts (gnomAD); In silico analysis supports that this missense variant has a deleterious effect on protein structure/function; Has not been previously published as pathogenic or benign to our knowledge